The following is an entry in ClinVar:

ClinVar aggregate classification (germline): Likely benign (1 of 4 stars; one submission).

Allele frequency attached by ClinVar (database versions not stated): ExAC 0.00003; TOPMed 0.00003; gnomAD 0.00004.
gnomAD v4.1: 23 of 1,613,868 alleles (0.0014%); highest among the groups gnomAD compares: African/African-American, 0.0067%; no homozygotes.

Submission:

CeGaT Center for Human Genetics Tuebingen
Classification: Likely benign. Last evaluated: 2024-06-01. Review status: criteria provided, single submitter. Criteria: CeGaT Center For Human Genetics Tuebingen Variant Classification Criteria Version 2. Collection method: clinical testing. Allele origin: germline. Affected: yes. Observed: 1 variant allele.
Comment: ITGA7: BP4, BP7

NM_002206.3(ITGA7):c.1491C>T (p.Gly497=)

Gene: ITGA7 (integrin subunit alpha 7; minus strand). Cytogenetic location: 12q13.2.
Variant type: single nucleotide variant.
Coding change: c.1491C>T on transcript NM_002206.3 (MANE Select); coding-DNA position 1491, C replaced by T.
Protein change: p.Gly497=; no amino-acid change (glycine 497 retained).
Molecular consequence: synonymous variant.
Genome position (GRCh38, 1-based): chr12:55,697,465, G>A on the plus strand (C>T on the coding strand, the complement: ITGA7 is on the minus strand). VCF-style: chr12-55697465-G-A. GRCh37 (hg19) VCF-style: chr12-56091249-G-A.
Other names: c.1503C>T, p.Gly501= (NM_001144996.2, NM_001414029.1); c.1212C>T, p.Gly404= (NM_001144997.2); c.1164C>T, p.Gly388= (NM_001367993.1); c.147C>T, p.Gly49= (NM_001367994.1); c.1491C>T, p.Gly497= (NM_001374465.1, NM_001414034.1); c.1623C>T, p.Gly541= (NM_001410977.1); c.1416C>T, p.Gly472= (NM_001414030.1); c.1404C>T, p.Gly468= (NM_001414031.1); and 3 more.
Identifiers: ClinVar variation 3250661 (VCV003250661.18), dbSNP rs780808115.
Genomic context (GRCh38, chr12:55,697,465, plus strand): 5'-GCAGGGGAAGCTGCCAGGGTCCAGGTGCCACCCGATCCCACCTCACCAGACCGAGTGGCC[G>A]CCAGCACAGTTGGGCTGCTCCAGGTCGATGCTTCGTGGAGCAATAGAGACCTCATGGGAG-3'
Protein context (NP_002197.2, residues 487-507): SIDLEQPNCA[Gly497=]GHSVCVDLRV